The following is an entry in ClinVar:

ClinVar aggregate classification (germline): Likely benign. Review status: criteria provided, multiple submitters, no conflicts (2 of 4 stars). 3 submissions from 3 submitters: Likely benign (2). 1 of the submissions does not count toward it. Last evaluated 2021-09-24.

Conditions:
Alstrom syndrome (ALMS). Identifiers: Orphanet 64, MedGen C0268425, MONDO:0008763, OMIM 203800.
Cardiovascular phenotype. Identifiers: MedGen CN230736.
ALMS1-related disorder. Also called: ALMS1-related condition.

Allele frequency attached by ClinVar (database versions not stated): ESP Exome Variant Server 0.00008.

Submissions (3):

Labcorp Genetics (formerly Invitae), Labcorp
Classification: Likely benign for Alstrom syndrome. Last evaluated: 2021-09-24. Review status: criteria provided, single submitter. Criteria: Invitae Variant Classification Sherloc (09022015). Collection method: clinical testing. Allele origin: germline.

Ambry Genetics
Classification: Likely benign for Cardiovascular phenotype. Last evaluated: 2021-02-23. Review status: criteria provided, single submitter. Criteria: Ambry Variant Classification Scheme 2023. Collection method: clinical testing. Allele origin: germline.

PreventionGenetics, part of Exact Sciences
Classification: Likely benign for ALMS1-related condition. Last evaluated: 2019-07-23. Review status: no assertion criteria provided. Collection method: clinical testing. Allele origin: germline. Not counted in ClinVar's aggregate classification.
Comment: This variant is classified as likely benign based on ACMG/AMP sequence variant interpretation guidelines (Richards et al. 2015 PMID: 25741868, with internal and published modifications).

NM_001378454.1(ALMS1):c.9804T>C (p.Tyr3268=)

Gene: ALMS1 (ALMS1 centrosome and basal body associated protein; plus strand). Cytogenetic location: 2p13.1.
Variant type: single nucleotide variant.
Coding change: c.9804T>C on transcript NM_001378454.1 (MANE Select); coding-DNA position 9804, T replaced by C.
Protein change: p.Tyr3268=; no amino-acid change (tyrosine 3268 retained).
Molecular consequence: synonymous variant.
Genome position (GRCh38, 1-based): chr2:73,534,846, T>C. VCF-style: chr2-73534846-T-C. GRCh37 (hg19) VCF-style: chr2-73761973-T-C.
Other names: c.9807T>C, p.Tyr3269= (NM_015120.4).
Identifiers: ClinVar variation 1499127 (VCV001499127.11), dbSNP rs368412850, ClinGen allele CA50350455.